The following is an entry in ClinVar:

ClinVar aggregate classification (germline): Uncertain significance (1 of 4 stars; one submission).

Conditions:
Familial hemophagocytic lymphohistiocytosis 5. Also called: STXBP2-Related Familial Hemophagocytic Lymphohistiocytosis (STXBP2-fHLH). Identifiers: Orphanet 540, MedGen C2751293, MONDO:0013135, OMIM 613101.

Allele frequency attached by ClinVar (database versions not stated): gnomAD exomes below 0.00001 and 0.00001; gnomAD 0.00001.

Submission:

Labcorp Genetics (formerly Invitae), Labcorp
Classification: Uncertain significance for Familial hemophagocytic lymphohistiocytosis 5. Last evaluated: 2022-11-22. Review status: criteria provided, single submitter. Criteria: Invitae Variant Classification Sherloc (09022015). Collection method: clinical testing. Allele origin: germline.
Comment: This sequence change replaces proline, which is neutral and non-polar, with serine, which is neutral and polar, at codon 217 of the STXBP2 protein (p.Pro217Ser). This variant is present in population databases (no rsID available, gnomAD 0.002%). This variant has not been reported in the literature in individuals affected with STXBP2-related conditions. ClinVar contains an entry for this variant (Variation ID: 844950). Advanced modeling of protein sequence and biophysical properties (such as structural, functional, and spatial information, amino acid conservation, physicochemical variation, residue mobility, and thermodynamic stability) performed at Invitae indicates that this missense variant is not expected to disrupt STXBP2 protein function. In summary, the available evidence is currently insufficient to determine the role of this variant in disease. Therefore, it has been classified as a Variant of Uncertain Significance.

NM_006949.4(STXBP2):c.649C>T (p.Pro217Ser)

Gene: STXBP2 (syntaxin binding protein 2; plus strand). Cytogenetic location: 19p13.2.
Variant type: single nucleotide variant.
Coding change: c.649C>T on transcript NM_006949.4 (MANE Select); coding-DNA position 649, C replaced by T.
Protein change: p.Pro217Ser; replaces proline 217 with serine.
Molecular consequence: missense variant. On other transcripts: non-coding transcript variant (1).
Genome position (GRCh38, 1-based): chr19:7,642,104, C>T. VCF-style: chr19-7642104-C-T. GRCh37 (hg19) VCF-style: chr19-7706990-C-T.
Other names: c.640C>T, p.Pro214Ser (NM_001127396.3); c.682C>T, p.Pro228Ser (NM_001272034.2); short protein forms P214S, P217S, P228S.
Identifiers: ClinVar variation 844950 (VCV000844950.10), dbSNP rs1249890410, ClinGen allele CA403158662.